The following is an entry in ClinVar:

NM_000434.4(NEU1):c.402C>T (p.Pro134=)

Gene: NEU1 (neuraminidase 1; minus strand). Cytogenetic location: 6p21.33.
Variant type: single nucleotide variant.
Coding change: c.402C>T on transcript NM_000434.4 (MANE Select); coding-DNA position 402, C replaced by T.
Protein change: p.Pro134=; no amino-acid change (proline 134 retained).
Molecular consequence: synonymous variant.
Genome position (GRCh38, 1-based): chr6:31,861,401, G>A on the plus strand (C>T on the coding strand, the complement: NEU1 is on the minus strand). VCF-style: chr6-31861401-G-A. GRCh37 (hg19) VCF-style: chr6-31829178-G-A.
Identifiers: ClinVar variation 718316 (VCV000718316.51), dbSNP rs142833447, ClinGen allele CA3725035.

ClinVar aggregate classification (germline): Conflicting classifications of pathogenicity. Review status: criteria provided, conflicting classifications (1 of 4 stars). 4 submissions from 4 submitters: Uncertain significance (1); Likely benign (3). Last evaluated 2026-01-28.

Conditions:
Sialidosis type 2. Also called: GLYCOPROTEIN NEURAMINIDASE DEFICIENCY; LIPOMUCOPOLYSACCHARIDOSIS; ML I; NEU DEFICIENCY; NEUG DEFICIENCY; NEURAMINIDASE 1 DEFICIENCY. Identifiers: Orphanet 812, Orphanet 87876, MedGen C4282398, MONDO:0009738, OMIM 256550.

Allele frequency attached by ClinVar (database versions not stated): 1000 Genomes Project 30x 0.00016; 1000 Genomes Project 0.00020; ESP Exome Variant Server 0.00047; TOPMed 0.00057; gnomAD 0.00068.
gnomAD v4.1: 1,517 of 1,612,888 alleles (0.094%); highest among the groups gnomAD compares: Non-Finnish European, 0.12%; no homozygotes.

Submissions (4):

Labcorp Genetics (formerly Invitae), Labcorp
Classification: Likely benign. Last evaluated: 2026-01-28. Review status: criteria provided, single submitter. Criteria: Invitae Variant Classification Sherloc (09022015). Collection method: clinical testing. Allele origin: germline.

Blueprint Genetics
Classification: Likely benign. Last evaluated: 2024-10-11. Review status: criteria provided, single submitter. Criteria: ACMG Guidelines, 2015. Collection method: clinical testing. Allele origin: germline.

CeGaT Center for Human Genetics Tuebingen
Classification: Likely benign. Last evaluated: 2022-07-01. Review status: criteria provided, single submitter. Criteria: CeGaT Center For Human Genetics Tuebingen Variant Classification Criteria Version 2. Collection method: clinical testing. Allele origin: germline. Affected: yes. Observed: 2 variant alleles.
Comment: NEU1: BP4, BP7

Illumina Laboratory Services, Illumina
Classification: Uncertain significance for Sialidosis type 2. Last evaluated: 2017-06-20. Review status: criteria provided, single submitter. Criteria: ICSL Variant Classification Criteria 13 December 2019. Collection method: clinical testing. Allele origin: germline.
Comment: This variant was observed as part of a predisposition screen in an ostensibly healthy population. A literature search was performed for the gene, cDNA change, and amino acid change (where applicable). Publications were found based on this search. However, the evidence from the literature, in combination with allele frequency data from public databases where available, was not sufficient to rule this variant in or out of causing disease. Therefore, this variant is classified as a variant of unknown significance.

Literature cited by the submitters: PubMed 25153125 (cited by Illumina Laboratory Services, Illumina).